The following is an entry in ClinVar:

ClinVar aggregate classification (germline): Uncertain significance. Review status: criteria provided, multiple submitters, no conflicts (2 of 4 stars). 2 submissions from 2 submitters: Uncertain significance (2). Last evaluated 2026-08-20.

Conditions:
PURA-related disorder. Also called: PURA-related condition.

Submissions (2):

PreventionGenetics, part of Exact Sciences
Classification: Uncertain significance for PURA-related condition. Last evaluated: 2026-08-20. Review status: criteria provided, single submitter. Criteria: ACMG Guidelines, 2015. Collection method: clinical testing. Allele origin: germline.
Comment: The PURA c.658G>A variant is predicted to result in the amino acid substitution p.Glu220Lys. To our knowledge, this variant has not been reported in the literature or in a large population database (gnomAD), indicating this variant is rare. At this time, the clinical significance of this variant is uncertain due to the absence of conclusive functional and genetic evidence.

GeneDx
Classification: Uncertain significance. Last evaluated: 2022-03-03. Review status: criteria provided, single submitter. Criteria: GeneDx Variant Classification Process June 2021. Collection method: clinical testing. Allele origin: germline. Affected: yes.
Comment: Not observed at significant frequency in large population cohorts (gnomAD); In silico analysis supports that this missense variant has a deleterious effect on protein structure/function; Has not been previously published as pathogenic or benign to our knowledge

NM_005859.5(PURA):c.658G>A (p.Glu220Lys)

Gene: PURA (purine rich element binding protein A; plus strand). Cytogenetic location: 5q31.3.
Variant type: single nucleotide variant.
Coding change: c.658G>A on transcript NM_005859.5 (MANE Select); coding-DNA position 658, G replaced by A.
Protein change: p.Glu220Lys; replaces glutamic acid 220 with lysine.
Molecular consequence: missense variant.
Genome position (GRCh38, 1-based): chr5:140,114,839, G>A. VCF-style: chr5-140114839-G-A. GRCh37 (hg19) VCF-style: chr5-139494424-G-A.
Other names: short protein forms E220K.
Identifiers: ClinVar variation 1703935 (VCV001703935.3), dbSNP rs2479505845, ClinGen allele CA361491250.
Genomic context (GRCh38, chr5:140,114,839, plus strand): 5'-GACGCTCTGGCCAAGCTCATCGACGACTACGGAGTGGAGGAGGAGCCGGCCGAGCTGCCC[G>A]AGGGCACCTCCTTGACTGTGGACAACAAGCGCTTCTTCTTCGATGTGGGCTCCAACAAGT-3'
Protein context (NP_005850.1, residues 210-230): GVEEEPAELP[Glu220Lys]GTSLTVDNKR